The following is an entry in ClinVar:

ClinVar aggregate classification (germline): Uncertain significance (1 of 4 stars; one submission).

Conditions:
Aicardi-Goutieres syndrome 6 (AGS6). Identifiers: Orphanet 51, MedGen C3539013, MONDO:0014007, OMIM 615010.
Symmetrical dyschromatosis of extremities (DSH). Also called: SYMMETRIC DYSCHROMATOSIS OF THE EXTREMITIES; RETICULATE ACROPIGMENTATION OF DOHI; Dyschromatosis symmetrica hereditaria; DYSCHROMATOSIS SYMMETRICA HEREDITARIA 1. Identifiers: Orphanet 41, MedGen C0406775, MONDO:0007483, OMIM 127400.

Submission:

Labcorp Genetics (formerly Invitae), Labcorp
Classification: Uncertain significance for Aicardi-Goutieres syndrome 6; Symmetrical dyschromatosis of extremities. Last evaluated: 2023-01-16. Review status: criteria provided, single submitter. Criteria: Invitae Variant Classification Sherloc (09022015). Collection method: clinical testing. Allele origin: unknown.
Comment: In summary, the available evidence is currently insufficient to determine the role of this variant in disease. Therefore, it has been classified as a Variant of Uncertain Significance. This variant has not been reported in the literature in individuals affected with ADAR-related conditions. This variant results in a copy number gain of the genomic region encompassing exon(s) 1-7 of the ADAR gene. This region includes the initiator codon of the gene. This copy number gain extends beyond the assayed region for this gene and therefore may encompass additional genes. As the precise location of this event is unknown, it may be in tandem or it may be located elsewhere in the genome.

NC_000001.10:g.(?_154562640)_(154580482_?)dup

Gene: ADAR (adenosine deaminase RNA specific; minus strand). Cytogenetic location: 1q21.3.
Variant type: Duplication.
Identifiers: ClinVar variation 3247810 (VCV003247810.1).